The following is an entry in ClinVar:

NM_032444.4(SLX4):c.2161-136G>A

Gene: SLX4 (SLX4 structure-specific endonuclease subunit; minus strand). Cytogenetic location: 16p13.3.
Variant type: single nucleotide variant.
Coding change: c.2161-136G>A on transcript NM_032444.4 (MANE Select); 136 bases into the intron before coding-DNA position 2161, G replaced by A.
Molecular consequence: intron variant.
Genome position (GRCh38, 1-based): chr16:3,593,001, C>T on the plus strand (G>A on the coding strand, the complement: SLX4 is on the minus strand). VCF-style: chr16-3593001-C-T. GRCh37 (hg19) VCF-style: chr16-3643002-C-T.
Identifiers: ClinVar variation 929588 (VCV000929588.5), dbSNP rs139226142, ClinGen allele CA276961141.

ClinVar aggregate classification (germline): Likely benign. Review status: criteria provided, multiple submitters, no conflicts (2 of 4 stars). 3 submissions from 3 submitters: Likely benign (2). 1 of the submissions does not count toward it. Last evaluated 2019-05-28.

Allele frequency attached by ClinVar (database versions not stated): gnomAD exomes 0.00158; 1000 Genomes Project 0.00879; gnomAD 0.00903 and 0.00967; TOPMed 0.00938; 1000 Genomes Project 30x 0.00984.
gnomAD v4.1: 2,494 of 862,886 alleles (0.29%); highest among the groups gnomAD compares: African/African-American, 3.1%; 41 homozygotes.

Submissions (3):

GeneDx
Classification: Likely benign. Last evaluated: 2019-05-28. Review status: criteria provided, single submitter. Criteria: GeneDx Variant Classification Process June 2021. Collection method: clinical testing. Allele origin: germline. Affected: yes.

Breakthrough Genomics
Classification: Likely benign. Review status: criteria provided, single submitter. Criteria: ACMG Guidelines, 2015. Collection method: not provided. Allele origin: germline. Inheritance: Autosomal recessive inheritance. Affected: yes.

Leiden Open Variation Database
Classification: Likely benign. Last evaluated: 2012-08-31. Review status: no assertion criteria provided. Collection method: curation. Allele origin: germline. Affected: yes. Not counted in ClinVar's aggregate classification.
Comment: Curator: Arleen D. Auerbach. Submitter to LOVD: Janine Bakker.

Literature cited by the submitters: PubMed 22911665 (cited by Leiden Open Variation Database).